The following is an entry in ClinVar:

NM_016180.5(SLC45A2):c.1457C>T (p.Ala486Val)

Gene: SLC45A2 (solute carrier family 45 member 2; minus strand). Cytogenetic location: 5p13.2.
Variant type: single nucleotide variant.
Coding change: c.1457C>T on transcript NM_016180.5 (MANE Select); coding-DNA position 1457, C replaced by T.
Protein change: p.Ala486Val; replaces alanine 486 with valine.
Molecular consequence: missense variant.
Genome position (GRCh38, 1-based): chr5:33,944,784, G>A on the plus strand (C>T on the coding strand, the complement: SLC45A2 is on the minus strand). VCF-style: chr5-33944784-G-A. GRCh37 (hg19) VCF-style: chr5-33944889-G-A.
Other names: short protein forms A486V.
Identifiers: ClinVar variation 4502 (VCV000004502.10), dbSNP rs121912620, ClinGen allele CA253179.

ClinVar aggregate classification (germline): Conflicting classifications of pathogenicity. Review status: criteria provided, conflicting classifications (1 of 4 stars). 3 submissions from 3 submitters: Likely pathogenic (1); Uncertain significance (1). 1 of the submissions does not count toward it. Last evaluated 2025-06-24.

Conditions:
Oculocutaneous albinism type 4 (OCA4). Also called: Albinism, oculocutaneous, type IV. Identifiers: Orphanet 79435, MedGen C1847836, MONDO:0011683, OMIM 606574.

Allele frequency attached by ClinVar (database versions not stated): TOPMed below 0.00001; ExAC 0.00001; gnomAD 0.00001; gnomAD exomes 0.00001.
gnomAD v4.1: 5 of 1,614,048 alleles (0.00031%); highest among the groups gnomAD compares: Non-Finnish European, 0.00042%; no homozygotes.

Submissions (3):

Women's Health and Genetics/Laboratory Corporation of America, LabCorp
Classification: Uncertain significance. Last evaluated: 2025-06-24. Review status: criteria provided, single submitter. Criteria: LabCorp Variant Classification Summary - May 2015. Collection method: clinical testing. Allele origin: germline.
Comment: Variant summary: SLC45A2 c.1457C>T (p.Ala486Val) results in a non-conservative amino acid change in the encoded protein sequence. Algorithms developed to predict the effect of missense changes on protein structure and function all suggest that this variant is likely to be disruptive. The variant allele was found at a frequency of 8e-06 in 251166 control chromosomes. The available data on variant occurrences in the general population are insufficient to allow any conclusion about variant significance. c.1457C>T has been observed in trans with a pathogenic variant in at least 1 individual(s) affected with Oculocutaneous albinism type 4 (example, Rundshagen_2004). These data do not allow any conclusion about variant significance. A different variant affecting the same codon has been classified as pathogenic by our lab (c.1456G>A, p.Ala486Thr), supporting the critical relevance of codon 486 to SLC45A2 protein function. To our knowledge, no experimental evidence demonstrating an impact on protein function has been reported. ClinVar contains an entry for this variant (Variation ID: 4502). To our knowledge, no experimental evidence demonstrating an impact on protein function has been reported. ClinVar contains an entry for this variant (Variation ID: 4502). Based on the evidence outlined above, the variant was classified as VUS-possibly pathogenic.

Labcorp Genetics (formerly Invitae), Labcorp
Classification: Likely pathogenic. Last evaluated: 2024-02-23. Review status: criteria provided, single submitter. Criteria: Invitae Variant Classification Sherloc (09022015). Collection method: clinical testing. Allele origin: germline.
Comment: This sequence change replaces alanine, which is neutral and non-polar, with valine, which is neutral and non-polar, at codon 486 of the SLC45A2 protein (p.Ala486Val). This variant is present in population databases (rs121912620, gnomAD 0.002%). This missense change has been observed in individual(s) with oculocutaneous albinism (PMID: 14722913). In at least one individual the data is consistent with being in trans (on the opposite chromosome) from a pathogenic variant. ClinVar contains an entry for this variant (Variation ID: 4502). Advanced modeling of protein sequence and biophysical properties (such as structural, functional, and spatial information, amino acid conservation, physicochemical variation, residue mobility, and thermodynamic stability) performed at Invitae indicates that this missense variant is expected to disrupt SLC45A2 protein function with a positive predictive value of 80%. This variant disrupts the p.Ala486 amino acid residue in SLC45A2. Other variant(s) that disrupt this residue have been determined to be pathogenic (PMID: 27706749, 32552135). This suggests that this residue is clinically significant, and that variants that disrupt this residue are likely to be disease-causing. In summary, the currently available evidence indicates that the variant is pathogenic, but additional data are needed to prove that conclusively. Therefore, this variant has been classified as Likely Pathogenic.

OMIM
Classification: Pathogenic for OCULOCUTANEOUS ALBINISM, TYPE IV. Last evaluated: 2004-02-01. Review status: no assertion criteria provided. Collection method: literature only. Allele origin: germline. Not counted in ClinVar's aggregate classification.

Literature cited by the submitters: PubMed 23504663 (cited by Women's Health and Genetics/Laboratory Corporation of America, LabCorp); PubMed 14722913 (cited by 3 submitters); PubMed 16965274 (cited by Women's Health and Genetics/Laboratory Corporation of America, LabCorp); PubMed 27706749 (cited by Labcorp Genetics (formerly Invitae), Labcorp); PubMed 32552135 (cited by Labcorp Genetics (formerly Invitae), Labcorp).